The following is an entry in ClinVar:

ClinVar aggregate classification (germline): Likely pathogenic. Review status: criteria provided, multiple submitters, no conflicts (2 of 4 stars). 3 submissions from 3 submitters: Likely pathogenic (3). Last evaluated 2024-12-30.

Conditions:
Thrombophilia due to protein C deficiency, autosomal dominant. Also called: PROC DEFICIENCY, AUTOSOMAL DOMINANT; PROTEIN C DEFICIENCY, AUTOSOMAL DOMINANT. Identifiers: Orphanet 745, MedGen C2674321, MONDO:0008316, OMIM 176860. Disease mechanism: loss of function.
Thrombophilia due to protein C deficiency, autosomal recessive. Also called: PROC DEFICIENCY, AUTOSOMAL RECESSIVE; PROTEIN C DEFICIENCY, AUTOSOMAL RECESSIVE. Identifiers: Orphanet 745, MedGen C2676759, MONDO:0012860, OMIM 612304.
Reduced protein C activity. Identifiers: MedGen C0398625, MeSH D020151, HP:0005543.

Allele frequency attached by ClinVar (database versions not stated): TOPMed 0.00002.

Submissions (3):

Mayo Clinic Laboratories, Mayo Clinic
Classification: Likely pathogenic. Last evaluated: 2024-12-30. Review status: criteria provided, single submitter. Criteria: ACMG Guidelines, 2015. Collection method: clinical testing. Allele origin: germline. Observed: 1 variant allele.
Comment: PP1, PP4_strong, PM2_supporting, PS3_moderate

NIHR Bioresource Rare Diseases, University of Cambridge
Classification: Likely pathogenic for Reduced protein C activity. Last evaluated: 2019-02-01. Review status: criteria provided, single submitter. Criteria: ACMG Guidelines, 2015. Collection method: research. Allele origin: unknown. Affected: yes. Observed: 1 heterozygote. Study: ThromboGenomics.

Juno Genomics, Hangzhou Juno Genomics, Inc
Classification: Likely pathogenic for Thrombophilia due to protein C deficiency, autosomal dominant; Thrombophilia due to protein C deficiency, autosomal recessive. Review status: criteria provided, single submitter. Criteria: ACMG Guidelines, 2015. Collection method: clinical testing. Allele origin: germline.
Comment: Absent from controls (or at extremely low frequency if recessive) in Genome Aggregation Database.;The prevalence of the variant in affected individuals is significantly increased compared to the prevalence in controls.;For recessive disorders, detected in trans with a pathogenic variant.;Co-segregation with disease in multiple affected family members.;Patient's phenotype or family history is highly specific for a disease with a single genetic etiology.

Literature cited by the submitters: PubMed 28266768 (cited by Mayo Clinic Laboratories, Mayo Clinic); PubMed 31064749 (cited by Mayo Clinic Laboratories, Mayo Clinic and NIHR Bioresource Rare Diseases, University of Cambridge); PubMed 31338992 (cited by Mayo Clinic Laboratories, Mayo Clinic); PubMed 32964666 (cited by Mayo Clinic Laboratories, Mayo Clinic); PubMed 34261859 (cited by Mayo Clinic Laboratories, Mayo Clinic); PubMed 35026611 (cited by Mayo Clinic Laboratories, Mayo Clinic).

NM_000312.4(PROC):c.532G>C (p.Ala178Pro)

Gene: PROC (protein C, inactivator of coagulation factors Va and VIIIa; plus strand). Cytogenetic location: 2q14.3.
Variant type: single nucleotide variant.
Coding change: c.532G>C on transcript NM_000312.4 (MANE Select); coding-DNA position 532, G replaced by C.
Protein change: p.Ala178Pro; replaces alanine 178 with proline.
Molecular consequence: missense variant.
Genome position (GRCh38, 1-based): chr2:127,423,405, G>C. VCF-style: chr2-127423405-G-C. GRCh37 (hg19) VCF-style: chr2-128180981-G-C.
Other names: p.Ala178Pro; c.715G>C, p.Ala239Pro (NM_001375602.1); c.697G>C, p.Ala233Pro (NM_001375603.1); c.595G>C, p.Ala199Pro (NM_001375604.1); c.634G>C, p.Ala212Pro (NM_001375605.1); c.700G>C, p.Ala234Pro (NM_001375606.1); c.718G>C, p.Ala240Pro (NM_001375607.1); c.475G>C, p.Ala159Pro (NM_001375608.1); and 3 more; short protein forms A178P, A159P, A170P, A176P, A199P, A212P, A233P, A234P.
Identifiers: ClinVar variation 627329 (VCV000627329.5), dbSNP rs1254257945, ClinGen allele CA348400305.
Genomic context (GRCh38, chr2:127,423,405, plus strand): 5'-CGGCGCTGTAGCTGTGCGCCTGGCTACAAGCTGGGGGACGACCTCCTGCAGTGTCACCCC[G>C]CAGGTGAGAAGCCCCCAATACATCGCCCAGGAATCACGCTGGGTGCAGGGTGGGCAGGCC-3'
Protein context (NP_000303.1, residues 168-188): LGDDLLQCHP[Ala178Pro]VKFPCGRPWK